The following is an entry in ClinVar:

NM_031296.3(RAB33B):c.*513C>T

Gene: RAB33B (RAB33B, member RAS oncogene family; plus strand). Cytogenetic location: 4q31.1.
Variant type: single nucleotide variant.
Coding change: c.*513C>T on transcript NM_031296.3 (MANE Select); 513 bases downstream of the stop codon, C replaced by T.
Molecular consequence: 3 prime UTR variant.
Genome position (GRCh38, 1-based): chr4:139,473,639, C>T. VCF-style: chr4-139473639-C-T. GRCh37 (hg19) VCF-style: chr4-140394793-C-T.
Identifiers: ClinVar variation 900306 (VCV000900306.4), dbSNP rs4131797, ClinGen allele CA106695740.

ClinVar aggregate classification (germline): Likely benign (1 of 4 stars; one submission).

Conditions:
Smith-McCort dysplasia 2 (SMC2). Identifiers: MedGen C3714896, MONDO:0014087, OMIM 615222.

Allele frequency attached by ClinVar (database versions not stated): gnomAD 0.00143 and 0.00158; TOPMed 0.00171; 1000 Genomes Project 0.00200; 1000 Genomes Project 30x 0.00234.

Submission:

Illumina Laboratory Services, Illumina
Classification: Likely benign for Smith-McCort dysplasia 2. Last evaluated: 2017-04-27. Review status: criteria provided, single submitter. Criteria: ICSL Variant Classification Criteria 13 December 2019. Collection method: clinical testing. Allele origin: germline.
Comment: This variant was observed as part of a predisposition screen in an ostensibly healthy population. A literature search was performed for the gene, cDNA change, and amino acid change (where applicable). No publications were found based on this search. Allele frequency data from public databases allowed determination this variant is unlikely to cause disease. Therefore, this variant is classified as likely benign.